The following is an entry in ClinVar:

ClinVar aggregate classification (germline): Uncertain significance (1 of 4 stars; one submission).

Allele frequency attached by ClinVar (database versions not stated): gnomAD exomes below 0.00001.

Submission:

CeGaT Center for Human Genetics Tuebingen
Classification: Uncertain significance. Last evaluated: 2024-01-01. Review status: criteria provided, single submitter. Criteria: CeGaT Center For Human Genetics Tuebingen Variant Classification Criteria Version 2. Collection method: clinical testing. Allele origin: germline. Affected: yes. Observed: 1 variant allele.
Comment: SHANK3: PM2:Supporting, BP4

NM_001372044.2(SHANK3):c.2220-23C>T

Gene: SHANK3 (SH3 and multiple ankyrin repeat domains 3; plus strand). Cytogenetic location: 22q13.33.
Variant type: single nucleotide variant.
Coding change: c.2220-23C>T on transcript NM_001372044.2 (MANE Select); 23 bases into the intron before coding-DNA position 2220, C replaced by T.
Molecular consequence: intron variant.
Genome position (GRCh38, 1-based): chr22:50,706,049, C>T. VCF-style: chr22-50706049-C-T. GRCh37 (hg19) VCF-style: chr22-51144477-C-T.
Identifiers: ClinVar variation 3026955 (VCV003026955.22), dbSNP rs2518408447, ClinGen allele CA2657599814.